The following is an entry in ClinVar:

ClinVar aggregate classification (germline): Uncertain significance (1 of 4 stars; one submission).

Conditions:
RASopathy. Also called: rasopathies; Noonan spectrum disorder. Identifiers: Orphanet 536391, MedGen C5555857, MONDO:0021060.

Submission:

Labcorp Genetics (formerly Invitae), Labcorp
Classification: Uncertain significance for RASopathy. Last evaluated: 2024-03-24. Review status: criteria provided, single submitter. Criteria: Invitae Variant Classification Sherloc (09022015). Collection method: clinical testing. Allele origin: germline.
Comment: This sequence change replaces asparagine, which is neutral and polar, with aspartic acid, which is acidic and polar, at codon 150 of the CBL protein (p.Asn150Asp). This variant is not present in population databases (gnomAD no frequency). This variant has not been reported in the literature in individuals affected with CBL-related conditions. Advanced modeling of protein sequence and biophysical properties (such as structural, functional, and spatial information, amino acid conservation, physicochemical variation, residue mobility, and thermodynamic stability) has been performed at Invitae for this missense variant, however the output from this modeling did not meet the statistical confidence thresholds required to predict the impact of this variant on CBL protein function. In summary, the available evidence is currently insufficient to determine the role of this variant in disease. Therefore, it has been classified as a Variant of Uncertain Significance.

NM_005188.4(CBL):c.448A>G (p.Asn150Asp)

Gene: CBL (Cbl proto-oncogene; plus strand). Cytogenetic location: 11q23.3.
Variant type: single nucleotide variant.
Coding change: c.448A>G on transcript NM_005188.4 (MANE Select); coding-DNA position 448, A replaced by G.
Protein change: p.Asn150Asp; replaces asparagine 150 with aspartic acid.
Molecular consequence: missense variant.
Genome position (GRCh38, 1-based): chr11:119,271,739, A>G. VCF-style: chr11-119271739-A-G. GRCh37 (hg19) VCF-style: chr11-119142449-A-G.
Other names: short protein forms N150D.
Identifiers: ClinVar variation 3634377 (VCV003634377.2).